The following is an entry in ClinVar:

ClinVar aggregate classification (germline): Uncertain significance (1 of 4 stars; one submission).

Conditions:
Retinoblastoma (RB1). Also called: RETINOBLASTOMA, SOMATIC. Identifiers: Orphanet 790, MedGen C0035335, MeSH D012175, MONDO:0008380, OMIM 180200, HP:0009919. Disease mechanism: loss of function. Inheritance: Both sporadic and heritable forms are tested..

Submission:

Labcorp Genetics (formerly Invitae), Labcorp
Classification: Uncertain significance for Retinoblastoma. Last evaluated: 2024-02-05. Review status: criteria provided, single submitter. Criteria: Invitae Variant Classification Sherloc (09022015). Collection method: clinical testing. Allele origin: germline.
Comment: This variant occurs in a non-coding region of the RB1 gene. It does not change the encoded amino acid sequence of the RB1 protein. This variant is not present in population databases (gnomAD no frequency). This variant has not been reported in the literature in individuals affected with RB1-related conditions. In summary, the available evidence is currently insufficient to determine the role of this variant in disease. Therefore, it has been classified as a Variant of Uncertain Significance.

NM_000321.3(RB1):c.-115G>C

Gene: RB1 (RB transcriptional corepressor 1; plus strand). Cytogenetic location: 13q14.2.
Variant type: single nucleotide variant.
Coding change: c.-115G>C on transcript NM_000321.3 (MANE Select); 115 bases upstream of the start codon, G replaced by C.
Molecular consequence: 5 prime UTR variant.
Genome position (GRCh38, 1-based): chr13:48,303,798, G>C. VCF-style: chr13-48303798-G-C. GRCh37 (hg19) VCF-style: chr13-48877934-G-C.
Other names: c.-115G>C (NM_001407165.1, NM_001407166.1, NM_001407167.1).
Identifiers: ClinVar variation 3630770 (VCV003630770.2).